The following is an entry in ClinVar:

NM_000260.4(MYO7A):c.296G>A (p.Gly99Asp)

Gene: MYO7A (myosin VIIA; plus strand). Cytogenetic location: 11q13.5.
Variant type: single nucleotide variant.
Coding change: c.296G>A on transcript NM_000260.4 (MANE Select); coding-DNA position 296, G replaced by A.
Protein change: p.Gly99Asp; replaces glycine 99 with aspartic acid.
Molecular consequence: missense variant.
Genome position (GRCh38, 1-based): chr11:77,155,917, G>A. VCF-style: chr11-77155917-G-A. GRCh37 (hg19) VCF-style: chr11-76866963-G-A.
Other names: c.296G>A, p.Gly99Asp (NM_001127180.2); c.263G>A, p.Gly88Asp (NM_001369365.1); short protein forms G88D, G99D.
Identifiers: ClinVar variation 4887861 (VCV004887861.1).

ClinVar aggregate classification (germline): Uncertain significance (1 of 4 stars; one submission).

Submission:

GeneDx
Classification: Uncertain significance. Last evaluated: 2026-01-21. Review status: criteria provided, single submitter. Criteria: GeneDx Variant Classification Process June 2021. Collection method: clinical testing. Allele origin: germline.
Comment: Not observed at significant frequency in large population cohorts (gnomAD); In silico analysis supports that this missense variant has a deleterious effect on protein structure/function; Has not been previously published as pathogenic or benign to our knowledge